The following is an entry in ClinVar:

NM_033056.4(PCDH15):c.4459T>C (p.Ser1487Pro)

Gene: PCDH15 (protocadherin related 15; minus strand). Cytogenetic location: 10q21.1.
Variant type: single nucleotide variant.
Coding change: c.4459T>C on transcript NM_033056.4 (MANE Plus Clinical); coding-DNA position 4459, T replaced by C.
Protein change: p.Ser1487Pro; replaces serine 1487 with proline.
Molecular consequence: missense variant. On other transcripts: intron variant (8).
Genome position (GRCh38, 1-based): chr10:53,823,267, A>G on the plus strand (T>C on the coding strand, the complement: PCDH15 is on the minus strand). VCF-style: chr10-53823267-A-G. GRCh37 (hg19) VCF-style: chr10-55583027-A-G.
Other names: c.4480T>C, p.Ser1494Pro (NM_001142763.2); c.4465T>C, p.Ser1489Pro (NM_001142764.2); c.4252T>C, p.Ser1418Pro (NM_001142765.2); c.4450T>C, p.Ser1484Pro (NM_001142766.2); c.4339T>C, p.Ser1447Pro (NM_001142767.2); c.4399T>C, p.Ser1467Pro (NM_001142768.2); c.4390T>C, p.Ser1464Pro (NM_001142773.2); c.4393T>C, p.Ser1465Pro (NM_001354404.2); and 6 more; short protein forms S1487P, S1447P, S1467P, S1418P, S1464P, S1465P, S1494P, S1484P.
Identifiers: ClinVar variation 167427 (VCV000167427.11), dbSNP rs727504071, ClinGen allele CA234500.

ClinVar aggregate classification (germline): Uncertain significance. Review status: criteria provided, multiple submitters, no conflicts (2 of 4 stars). 2 submissions from 2 submitters: Uncertain significance (2). Last evaluated 2021-10-14.

Allele frequency attached by ClinVar (database versions not stated): ExAC 0.00001; gnomAD exomes 0.00001 and below 0.00001.
gnomAD v4.1: 4 of 1,613,972 alleles (0.00025%); highest among the groups gnomAD compares: Non-Finnish European, 0.00034%; no homozygotes.

Submissions (2):

Labcorp Genetics (formerly Invitae), Labcorp
Classification: Uncertain significance. Last evaluated: 2021-10-14. Review status: criteria provided, single submitter. Criteria: Invitae Variant Classification Sherloc (09022015). Collection method: clinical testing. Allele origin: germline.
Comment: This sequence change replaces serine with proline at codon 1487 of the PCDH15 protein (p.Ser1487Pro). The serine residue is moderately conserved and there is a moderate physicochemical difference between serine and proline. This variant is present in population databases (rs727504071, ExAC 0.001%). This variant has not been reported in the literature in individuals affected with PCDH15-related conditions. ClinVar contains an entry for this variant (Variation ID: 167427). Algorithms developed to predict the effect of missense changes on protein structure and function (SIFT, PolyPhen-2, Align-GVGD) all suggest that this variant is likely to be tolerated. In summary, the available evidence is currently insufficient to determine the role of this variant in disease. Therefore, it has been classified as a Variant of Uncertain Significance.

Eurofins Ntd Llc (ga)
Classification: Uncertain significance. Last evaluated: 2014-05-05. Review status: criteria provided, single submitter. Criteria: EGL Classification Definitions 2015. Collection method: clinical testing. Allele origin: germline. Observed: 1 variant allele, 1 heterozygote.